The following is an entry in ClinVar:

ClinVar aggregate classification (germline): Likely benign (1 of 4 stars; one submission).

Conditions:
Lynch syndrome 5 (LYNCH5). Also called: Colorectal cancer, hereditary nonpolyposis, type 5; Hereditary non-polyposis colorectal cancer, type 5. Identifiers: Orphanet 144, MedGen C1833477, MONDO:0013710, OMIM 614350. Disease mechanism: loss of function.

Submission:

Myriad Genetics, Inc.
Classification: Likely benign for Lynch syndrome 5. Last evaluated: 2025-01-06. Review status: criteria provided, single submitter. Criteria: Myriad Autosomal Dominant, Autosomal Recessive and X-Linked Classification Criteria (2023). Collection method: clinical testing. Allele origin: unknown.
Comment: This variant is considered likely benign. This variant is strongly associated with less severe personal and family histories of cancer, typical for individuals without pathogenic variants in this gene [PMID: 27363726].

Literature cited by the submitters: PubMed 27363726.

NM_000179.3(MSH6):c.3425_3429delinsTGCTA (p.Thr1142Met)

Gene: MSH6 (mutS homolog 6; plus strand). Cytogenetic location: 2p16.3.
Variant type: Indel.
Coding change: c.3425_3429delinsTGCTA on transcript NM_000179.3 (MANE Select); coding-DNA positions 3425 to 3429, CGCTT replaced by TGCTA.
Protein change: p.Thr1142Met; replaces threonine 1142 with methionine.
Molecular consequence: missense variant. On other transcripts: non-coding transcript variant (5).
Genome position (GRCh38, 1-based): chr2:47,803,672-47,803,676, CGCTT replaced by TGCTA. VCF-style: chr2-47803672-CGCTT-TGCTA. GRCh37 (hg19) VCF-style: chr2-48030811-CGCTT-TGCTA.
Other names: c.3035_3039delinsTGCTA, p.Thr1012Met (NM_001281492.2); c.2519_2523delinsTGCTA, p.Thr840Met (NM_001281493.2, NM_001281494.2, NM_001406811.1 and 6 more transcripts); c.3521_3525delinsTGCTA, p.Thr1174Met (NM_001406795.1, NM_001406802.1); c.3425_3429delinsTGCTA, p.Thr1142Met (NM_001406796.1, NM_001406800.1, NM_001406808.1 and 1 more transcripts); c.3128_3132delinsTGCTA, p.Thr1043Met (NM_001406797.1, NM_001406801.1, NM_001406805.1 and 10 more transcripts); c.3251_3255delinsTGCTA, p.Thr1084Met (NM_001406798.1); c.2900_2904delinsTGCTA, p.Thr967Met (NM_001406799.1, NM_001406806.1, NM_001406807.1); c.2561_2565delinsTGCTA, p.Thr854Met (NM_001406803.1); and 7 more; short protein forms T1012M, T1043M, T1084M, T1086M, T1116M, T1142M, T1144M, T1174M.
Identifiers: ClinVar variation 3904381 (VCV003904381.1).
Genomic context (GRCh38, chr2:47,803,672, plus strand): 5'-AGGAAAATGGCAAAGCCTATTGTGTGCTTGTTACTGGACCAAATATGGGGGGCAAGTCTA[CGCTT>TGCTA]ATGAGACAGGTAACTGATTCTTAAAGTTTTGTTATCAGAAAGTCATTTGTGACATTAGGA-3'
Protein context (NP_000170.1, residues 1132-1152): VTGPNMGGKS[Thr1142Met]LMRQAGLLAV